The following is an entry in ClinVar:

ClinVar aggregate classification (germline): Uncertain significance (1 of 4 stars; one submission).

gnomAD v4.1: 5 of 1,614,160 alleles (0.00031%); highest among the groups gnomAD compares: South Asian, 0.0055%; no homozygotes.

Submission:

Labcorp Genetics (formerly Invitae), Labcorp
Classification: Uncertain significance. Last evaluated: 2020-12-28. Review status: criteria provided, single submitter. Criteria: Invitae Variant Classification Sherloc (09022015). Collection method: clinical testing. Allele origin: germline.
Comment: This sequence change affects codon 211 of the SIAE mRNA. It is a 'silent' change, meaning that it does not change the encoded amino acid sequence of the SIAE protein. In summary, the available evidence is currently insufficient to determine the role of this variant in disease. Therefore, it has been classified as a Variant of Uncertain Significance. Algorithms developed to predict the effect of sequence changes on RNA splicing suggest that this variant may create or strengthen a splice site, but this prediction has not been confirmed by published transcriptional studies. This variant has not been reported in the literature in individuals with SIAE-related conditions. This variant is not present in population databases (ExAC no frequency).

NM_170601.5(SIAE):c.633C>A (p.Ile211=)

Gene: SIAE (sialic acid acetylesterase; minus strand). Cytogenetic location: 11q24.2.
Variant type: single nucleotide variant.
Coding change: c.633C>A on transcript NM_170601.5 (MANE Select); coding-DNA position 633, C replaced by A.
Protein change: p.Ile211=; no amino-acid change (isoleucine 211 retained).
Molecular consequence: synonymous variant.
Genome position (GRCh38, 1-based): chr11:124,649,708, G>T on the plus strand (C>A on the coding strand, the complement: SIAE is on the minus strand). VCF-style: chr11-124649708-G-T. GRCh37 (hg19) VCF-style: chr11-124519604-G-T.
Other names: c.528C>A, p.Ile176= (NM_001199922.2).
Identifiers: ClinVar variation 1356725 (VCV001356725.8), dbSNP rs530808094, ClinGen allele CA477447726.